The following is an entry in ClinVar:

ClinVar aggregate classification (germline): Benign/Likely benign. Review status: criteria provided, multiple submitters, no conflicts (2 of 4 stars). 11 submissions from 11 submitters: Benign (2); Likely benign (7). 2 of the submissions do not count toward it. Last evaluated 2025-12-01.

Conditions:
RTEL1-related disorder. Also called: RTEL1-related condition; RTEL1-related disorders.
Inborn genetic diseases. Identifiers: MedGen C0950123, MeSH D030342.
Dyskeratosis congenita. Identifiers: Orphanet 1775, MedGen C0265965, MONDO:0015780.
Dyskeratosis congenita, autosomal recessive 5 (DKCB5). Identifiers: MedGen C3554656, MONDO:0014076, OMIM 615190.
Pulmonary fibrosis and/or bone marrow failure, Telomere-related, 3. Also called: PULMONARY FIBROSIS AND/OR BONE MARROW FAILURE SYNDROME, TELOMERE-RELATED, 3. Identifiers: Orphanet 2032, MedGen C4225346, MONDO:0014613, OMIM 616373.

Allele frequency attached by ClinVar (database versions not stated): 1000 Genomes Project 0.00100; 1000 Genomes Project 30x 0.00109; TOPMed 0.00267; gnomAD exomes 0.00273 and 0.00401; gnomAD 0.00301 and 0.00322; ESP Exome Variant Server 0.00369; ExAC 0.00406.
gnomAD v4.1: 6,206 of 1,611,504 alleles (0.39%); highest among the groups gnomAD compares: Non-Finnish European, 0.49%; 12 homozygotes.

Submissions (11):

CeGaT Center for Human Genetics Tuebingen
Classification: Likely benign. Last evaluated: 2025-12-01. Review status: criteria provided, single submitter. Criteria: CeGaT Center For Human Genetics Tuebingen Variant Classification Criteria Version 2. Collection method: clinical testing. Allele origin: germline. Affected: yes. Observed: 6 variant alleles.
Comment: RTEL1: BP4, BS2

Mayo Clinic Laboratories, Mayo Clinic
Classification: Benign. Last evaluated: 2025-09-19. Review status: criteria provided, single submitter. Criteria: ACMG Guidelines, 2015. Collection method: clinical testing. Allele origin: germline. Observed: 17 variant alleles.
Comment: BS1, BS2, BP4

Labcorp Genetics (formerly Invitae), Labcorp
Classification: Likely benign for Dyskeratosis congenita, autosomal recessive 5; Pulmonary fibrosis and/or bone marrow failure, Telomere-related, 3. Last evaluated: 2025-07-31. Review status: criteria provided, single submitter. Criteria: Invitae Variant Classification Sherloc (09022015). Collection method: clinical testing. Allele origin: germline.

ARUP Laboratories, Molecular Genetics and Genomics, ARUP Laboratories
Classification: Likely benign. Last evaluated: 2025-06-02. Review status: criteria provided, single submitter. Criteria: ARUP Molecular Germline Variant Investigation Process 2024. Collection method: clinical testing. Allele origin: germline.

Blueprint Genetics
Classification: Likely benign. Last evaluated: 2024-11-27. Review status: criteria provided, single submitter. Criteria: ACMG Guidelines, 2015. Collection method: clinical testing. Allele origin: germline.

Women's Health and Genetics/Laboratory Corporation of America, LabCorp
Classification: Likely benign. Last evaluated: 2024-06-20. Review status: criteria provided, single submitter. Criteria: LabCorp Variant Classification Summary - May 2015. Collection method: clinical testing. Allele origin: germline.
Comment: Variant summary: RTEL1 c.431C>T (p.Thr144Ile) results in a non-conservative amino acid change located in the Helicase-like, DEXD box c2 type domain (IPR006554) of the encoded protein sequence. Two of three in-silico tools predict a benign effect of the variant on protein function. The variant allele was found at a frequency of 0.0027 in 245238 control chromosomes, predominantly at a frequency of 0.0053 within the Non-Finnish European subpopulation in the gnomAD database, including 2 homozygotes. The observed variant frequency within Non-Finnish European control individuals in the gnomAD database is approximately 4.74 fold of the estimated maximal expected allele frequency for a pathogenic variant in RTEL1 causing Dyskeratosis Congenita (Hoyeraal Hreidarsson Syndrome) phenotype (0.0011). c.431C>T has been reported in the literature in 5 individuals affected with Chronic obstructive pulmonary disease and 2 controls (Qiao_2018). These report(s) do not provide unequivocal conclusions about association of the variant with Dyskeratosis Congenita (Hoyeraal Hreidarsson Syndrome). To our knowledge, no experimental evidence demonstrating an impact on protein function has been reported. The following publication have been ascertained in the context of this evaluation (PMID: 30060175). ClinVar contains an entry for this variant (Variation ID: 436561). Based on the evidence outlined above, the variant was classified as likely benign.

Ambry Genetics
Classification: Likely benign for Inborn genetic diseases. Last evaluated: 2022-10-04. Review status: criteria provided, single submitter. Criteria: Ambry Variant Classification Scheme 2023. Collection method: clinical testing. Allele origin: germline.

Genetic Services Laboratory, University of Chicago
Classification: Benign. Last evaluated: 2021-04-29. Review status: criteria provided, single submitter. Criteria: ACMG Guidelines, 2015. Collection method: clinical testing. Allele origin: germline. Affected: no.

Breakthrough Genomics
Classification: Likely benign. Review status: criteria provided, single submitter. Criteria: ACMG Guidelines, 2015. Collection method: not provided. Allele origin: germline. Inheritance: Autosomal recessive inheritance. Affected: yes.

PreventionGenetics, part of Exact Sciences
Classification: Likely benign for RTEL1-related condition. Last evaluated: 2020-08-31. Review status: no assertion criteria provided. Collection method: clinical testing. Allele origin: germline. Not counted in ClinVar's aggregate classification.
Comment: This variant is classified as likely benign based on ACMG/AMP sequence variant interpretation guidelines (Richards et al. 2015 PMID: 25741868, with internal and published modifications).

Natera, Inc.
Classification: Benign for Dyskeratosis congenita. Last evaluated: 2019-12-08. Review status: no assertion criteria provided. Collection method: clinical testing. Allele origin: germline. Not counted in ClinVar's aggregate classification.

Literature cited by the submitters: PubMed 30060175 (cited by Women's Health and Genetics/Laboratory Corporation of America, LabCorp).

NM_001283009.2(RTEL1):c.396-37C>T

Genes: RTEL1 (regulator of telomere elongation helicase 1; plus strand), RTEL1-TNFRSF6B (RTEL1-TNFRSF6B readthrough (NMD candidate); plus strand). Cytogenetic location: 20q13.33.
Variant type: single nucleotide variant.
Coding change: c.396-37C>T on transcript NM_001283009.2 (MANE Select); 37 bases into the intron before coding-DNA position 396, C replaced by T.
Molecular consequence: intron variant. On other transcripts: missense variant (1).
Genome position (GRCh38, 1-based): chr20:63,662,509, C>T. VCF-style: chr20-63662509-C-T. GRCh37 (hg19) VCF-style: chr20-62293862-C-T.
Other names: p.Thr144Ile; c.431C>T, p.Thr144Ile (NM_032957.5); c.-274-37C>T (NM_001283010.1); c.396-37C>T (NM_016434.4); short protein forms T144I.
Identifiers: ClinVar variation 436561 (VCV000436561.49), dbSNP rs41297642, ClinGen allele CA9964238.